The following is an entry in ClinVar:

ClinVar aggregate classification (germline): Uncertain significance (1 of 4 stars; one submission).

Submission:

GeneDx
Classification: Uncertain significance. Last evaluated: 2025-04-09. Review status: criteria provided, single submitter. Criteria: GeneDx Variant Classification Process June 2021. Collection method: clinical testing. Allele origin: germline. Affected: yes.
Comment: Not observed at significant frequency in large population cohorts (gnomAD); In silico analysis supports that this missense variant has a deleterious effect on protein structure/function; Has not been previously published as pathogenic or benign to our knowledge

NM_002471.4(MYH6):c.3593A>G (p.His1198Arg)

Gene: MYH6 (myosin heavy chain 6; minus strand). Cytogenetic location: 14q11.2.
Variant type: single nucleotide variant.
Coding change: c.3593A>G on transcript NM_002471.4 (MANE Select); coding-DNA position 3593, A replaced by G.
Protein change: p.His1198Arg; replaces histidine 1198 with arginine.
Molecular consequence: missense variant.
Genome position (GRCh38, 1-based): chr14:23,390,196, T>C on the plus strand (A>G on the coding strand, the complement: MYH6 is on the minus strand). VCF-style: chr14-23390196-T-C. GRCh37 (hg19) VCF-style: chr14-23859405-T-C.
Other names: short protein forms H1198R.
Identifiers: ClinVar variation 4282036 (VCV004282036.1).